The following is an entry in ClinVar:

NM_031418.4(ANO3):c.2812G>A (p.Val938Ile)

Gene: ANO3 (anoctamin 3; plus strand). Cytogenetic location: 11p14.2.
Variant type: single nucleotide variant.
Coding change: c.2812G>A on transcript NM_031418.4 (MANE Select); coding-DNA position 2812, G replaced by A.
Protein change: p.Val938Ile; replaces valine 938 with isoleucine.
Molecular consequence: missense variant.
Genome position (GRCh38, 1-based): chr11:26,660,310, G>A. VCF-style: chr11-26660310-G-A. GRCh37 (hg19) VCF-style: chr11-26681857-G-A.
Other names: c.2995G>A, p.Val999Ile (NM_001313726.2); c.2374G>A, p.Val792Ile (NM_001313727.2); short protein forms V999I, V938I, V792I.
Identifiers: ClinVar variation 444249 (VCV000444249.50), dbSNP rs774929522, ClinGen allele CA5926623.

ClinVar aggregate classification (germline): Uncertain significance. Review status: criteria provided, multiple submitters, no conflicts (2 of 4 stars). 2 submissions from 2 submitters: Uncertain significance (2). Last evaluated 2024-05-21.

Conditions:
Dystonic disorder. Also called: Dystonia. Identifiers: MedGen C0013421, MONDO:0003441, HP:0001332.

Allele frequency attached by ClinVar (database versions not stated): gnomAD 0.00001; TOPMed 0.00002; ExAC 0.00003; gnomAD exomes 0.00003.
gnomAD v4.1: 63 of 1,613,096 alleles (0.0039%); highest among the groups gnomAD compares: South Asian, 0.0099%; no homozygotes.

Submissions (2):

Labcorp Genetics (formerly Invitae), Labcorp
Classification: Uncertain significance for Dystonic disorder. Last evaluated: 2024-05-21. Review status: criteria provided, single submitter. Criteria: Invitae Variant Classification Sherloc (09022015). Collection method: clinical testing. Allele origin: germline.
Comment: This sequence change replaces valine, which is neutral and non-polar, with isoleucine, which is neutral and non-polar, at codon 938 of the ANO3 protein (p.Val938Ile). This variant is present in population databases (rs774929522, gnomAD 0.01%). This variant has not been reported in the literature in individuals affected with ANO3-related conditions. ClinVar contains an entry for this variant (Variation ID: 444249). Advanced modeling of protein sequence and biophysical properties (such as structural, functional, and spatial information, amino acid conservation, physicochemical variation, residue mobility, and thermodynamic stability) performed at Invitae indicates that this missense variant is not expected to disrupt ANO3 protein function with a negative predictive value of 80%. In summary, the available evidence is currently insufficient to determine the role of this variant in disease. Therefore, it has been classified as a Variant of Uncertain Significance.

CeGaT Center for Human Genetics Tuebingen
Classification: Uncertain significance. Last evaluated: 2017-05-01. Review status: criteria provided, single submitter. Criteria: CeGaT Center For Human Genetics Tuebingen Variant Classification Criteria Version 2. Collection method: clinical testing. Allele origin: germline. Affected: yes. Observed: 1 variant allele.